The following is an entry in ClinVar:

NM_000169.3(GLA):c.37G>A (p.Ala13Thr)

Genes: GLA (galactosidase alpha; minus strand), RPL36A-HNRNPH2 (RPL36A-HNRNPH2 readthrough; plus strand). Cytogenetic location: Xq22.1.
Variant type: single nucleotide variant.
Coding change: c.37G>A on transcript NM_000169.3 (MANE Select); coding-DNA position 37, G replaced by A.
Protein change: p.Ala13Thr; replaces alanine 13 with threonine.
Molecular consequence: missense variant. On other transcripts: non-coding transcript variant (3), intron variant (2).
Genome position (GRCh38, 1-based): chrX:101,407,867, C>T on the plus strand (G>A on the coding strand, the complement: GLA is on the minus strand). VCF-style: chrX-101407867-C-T. GRCh37 (hg19) VCF-style: chrX-100662855-C-T.
Other names: c.37G>A, p.Ala13Thr (NM_001406747.1, NM_001406748.1, NM_001406749.1); c.301-4069C>T (NM_001199973.2); c.178-4069C>T (NM_001199974.2); short protein forms A13T.
Identifiers: ClinVar variation 1171832 (VCV001171832.4), dbSNP rs2147487725, ClinGen allele CA413937793.

ClinVar aggregate classification (germline): Uncertain significance. Review status: criteria provided, multiple submitters, no conflicts (2 of 4 stars). 2 submissions from 2 submitters: Uncertain significance (2). Last evaluated 2026-09-08.

Conditions:
Fabry disease. Also called: ALPHA-GALACTOSIDASE A DEFICIENCY; ANDERSON-FABRY DISEASE; CERAMIDE TRIHEXOSIDASE DEFICIENCY; GLA DEFICIENCY; HEREDITARY DYSTOPIC LIPIDOSIS; Fabry's disease. Identifiers: Orphanet 324, MedGen C0002986, MONDO:0010526, OMIM 301500, HP:0001071. Disease mechanism: loss of function, Fabry disease is due to inactivating mutations in the X-linked GLA gene resulting in deficiency of the enzyme Alpha Galactosidase-A..

gnomAD v4.1: 1 of 1,211,758 alleles (0.000083%); highest among the groups gnomAD compares: Non-Finnish European, 0.00011%; no homozygotes.

Submissions (2):

Genomenon, Inc
Classification: Uncertain significance for Fabry disease. Last evaluated: 2026-09-08. Review status: criteria provided, single submitter. Criteria: Genomenon Sequence Variant Interpretation Standards - Updated. Collection method: curation. Allele origin: germline. Affected: no.
Comment: GLA p.Ala13Thr (c.37G>A) is a missense variant that changes the amino acid at codon 13 from Alanine to Threonine. This variant has been reported in the published literature (PMID:32995357;31036492;27657681). It is absent or not present at a significant frequency in gnomAD. In silico models predict that this variant is not damaging. In conclusion, we classify GLA p.Ala13Thr (c.37G>A) as a variant of uncertain significance.

Color Diagnostics, LLC DBA Color Health
Classification: Uncertain significance for Fabry disease. Last evaluated: 2021-01-04. Review status: criteria provided, single submitter. Criteria: ACMG Guidelines, 2015. Collection method: clinical testing. Allele origin: germline.
Comment: This missense variant replaces alanine with threonine at codon 13 of the GLA protein. Computational prediction suggests that this variant may not impact protein structure and function (internally defined REVEL score threshold <= 0.5, PMID: 27666373). To our knowledge, functional studies have not been reported for this variant. This variant has not been reported in individuals affected with cardiovascular disorders in the literature. This variant has not been identified in the general population by the Genome Aggregation Database (gnomAD). The available evidence is insufficient to determine the role of this variant in disease conclusively. Therefore, this variant is classified as a Variant of Uncertain Significance.

Literature cited by the submitters: PubMed 32995357 (cited by Genomenon, Inc); PubMed 31036492 (cited by Genomenon, Inc); PubMed 27657681 (cited by Genomenon, Inc).